The following is an entry in ClinVar:

ClinVar aggregate classification (germline): Uncertain significance (1 of 4 stars; one submission).

Conditions:
Inborn genetic diseases. Identifiers: MedGen C0950123, MeSH D030342.

Submission:

Ambry Genetics
Classification: Uncertain significance for Inborn genetic diseases. Last evaluated: 2025-07-31. Review status: criteria provided, single submitter. Criteria: Ambry Variant Classification Scheme 2023. Collection method: clinical testing. Allele origin: germline.
Comment: The p.G755A variant (also known as c.2264G>C), located in coding exon 13 of the ASXL1 gene, results from a G to C substitution at nucleotide position 2264. The glycine at codon 755 is replaced by alanine, an amino acid with similar properties. This amino acid position is conserved. In addition, this alteration is predicted to be tolerated by in silico analysis. Based on the available evidence, the clinical significance of this variant remains unclear.

NM_015338.6(ASXL1):c.2264G>C (p.Gly755Ala)

Gene: ASXL1 (ASXL transcriptional regulator 1; plus strand). Cytogenetic location: 20q11.21.
Variant type: single nucleotide variant.
Coding change: c.2264G>C on transcript NM_015338.6 (MANE Select); coding-DNA position 2264, G replaced by C.
Protein change: p.Gly755Ala; replaces glycine 755 with alanine.
Molecular consequence: missense variant.
Genome position (GRCh38, 1-based): chr20:32,434,976, G>C. VCF-style: chr20-32434976-G-C. GRCh37 (hg19) VCF-style: chr20-31022779-G-C.
Other names: c.2081G>C, p.Gly694Ala (NM_001363734.1); short protein forms G755A, G694A.
Identifiers: ClinVar variation 4158454 (VCV004158454.1).